The following is an entry in ClinVar:

ClinVar aggregate classification (germline): Likely benign. Review status: criteria provided, multiple submitters, no conflicts (2 of 4 stars). 5 submissions from 5 submitters: Likely benign (5). Last evaluated 2026-08-28.

Conditions:
NTHL1-related disorder. Also called: NTHL1-related conditions; NTHL1-related condition.
Hereditary cancer-predisposing syndrome. Also called: Tumor predisposition; Neoplastic Syndromes, Hereditary; Hereditary Cancer Syndrome; Hereditary neoplastic syndrome. Identifiers: Orphanet 140162, MedGen C0027672, MeSH D009386, MONDO:0015356.

Allele frequency attached by ClinVar (database versions not stated): ExAC below 0.00001.

Submissions (5):

PreventionGenetics, part of Exact Sciences
Classification: Likely benign for NTHL1-related condition. Last evaluated: 2026-08-28. Review status: criteria provided, single submitter. Criteria: ACMG Guidelines, 2015. Collection method: clinical testing. Allele origin: germline.
Comment: This variant is classified as likely benign based on ACMG/AMP sequence variant interpretation guidelines (Richards et al. 2015 PMID: 25741868, with internal and published modifications).

Labcorp Genetics (formerly Invitae), Labcorp
Classification: Likely benign. Last evaluated: 2026-01-30. Review status: criteria provided, single submitter. Criteria: Invitae Variant Classification Sherloc (09022015). Collection method: clinical testing. Allele origin: germline.

CeGaT Center for Human Genetics Tuebingen
Classification: Likely benign. Last evaluated: 2025-01-01. Review status: criteria provided, single submitter. Criteria: CeGaT Center For Human Genetics Tuebingen Variant Classification Criteria Version 2. Collection method: clinical testing. Allele origin: germline. Affected: yes. Observed: 1 variant allele.
Comment: NTHL1: BP4, BP7

Sema4
Classification: Likely benign for Hereditary cancer-predisposing syndrome. Last evaluated: 2022-02-01. Review status: criteria provided, single submitter. Criteria: Sema4 Curation Guidelines. Collection method: curation. Allele origin: germline.

Ambry Genetics
Classification: Likely benign for Hereditary cancer-predisposing syndrome. Last evaluated: 2019-06-10. Review status: criteria provided, single submitter. Criteria: Ambry Variant Classification Scheme 2023. Collection method: clinical testing. Allele origin: germline.

NM_002528.7(NTHL1):c.66G>A (p.Arg22=)

Gene: NTHL1 (nth like DNA glycosylase 1; minus strand). Cytogenetic location: 16p13.3.
Variant type: single nucleotide variant.
Coding change: c.66G>A on transcript NM_002528.7 (MANE Select); coding-DNA position 66, G replaced by A.
Protein change: p.Arg22=; no amino-acid change (arginine 22 retained).
Molecular consequence: synonymous variant. On other transcripts: 5 prime UTR variant (1).
Genome position (GRCh38, 1-based): chr16:2,047,758, C>T on the plus strand (G>A on the coding strand, the complement: NTHL1 is on the minus strand). VCF-style: chr16-2047758-C-T. GRCh37 (hg19) VCF-style: chr16-2097759-C-T.
Other names: c.66G>A, p.Arg22= (NM_001318193.2); c.-113G>A (NM_001318194.2).
Identifiers: ClinVar variation 797751 (VCV000797751.30), dbSNP rs755616986, ClinGen allele CA027898.